The following is an entry in ClinVar:

ClinVar aggregate classification (germline): Uncertain significance (1 of 4 stars; one submission).

Conditions:
Glycogen storage disease, type VII (GSD7). Also called: TARUI DISEASE; GSD VII; MUSCLE PHOSPHOFRUCTOKINASE DEFICIENCY; PFKM DEFICIENCY. Identifiers: Orphanet 371, MedGen C0017926, MONDO:0009295, OMIM 232800.

gnomAD v4.1: 9 of 1,584,216 alleles (0.00057%); highest among the groups gnomAD compares: Non-Finnish European, 0.00052%; no homozygotes.

Submission:

Labcorp Genetics (formerly Invitae), Labcorp
Classification: Uncertain significance for Glycogen storage disease, type VII. Last evaluated: 2022-05-28. Review status: criteria provided, single submitter. Criteria: Invitae Variant Classification Sherloc (09022015). Collection method: clinical testing. Allele origin: germline.
Comment: This sequence change falls in intron 3 of the PFKM gene. It does not directly change the encoded amino acid sequence of the PFKM protein. This variant is present in population databases (rs772664063, gnomAD 0.002%). This variant has not been reported in the literature in individuals affected with PFKM-related conditions. Algorithms developed to predict the effect of sequence changes on RNA splicing suggest that this variant may disrupt the consensus splice site. In summary, the available evidence is currently insufficient to determine the role of this variant in disease. Therefore, it has been classified as a Variant of Uncertain Significance.

NM_000289.6(PFKM):c.160-13A>G

Gene: PFKM (phosphofructokinase, muscle; plus strand). Cytogenetic location: 12q13.11.
Variant type: single nucleotide variant.
Coding change: c.160-13A>G on transcript NM_000289.6 (MANE Select); 13 bases into the intron before coding-DNA position 160, A replaced by G.
Molecular consequence: intron variant.
Genome position (GRCh38, 1-based): chr12:48,131,303, A>G. VCF-style: chr12-48131303-A-G. GRCh37 (hg19) VCF-style: chr12-48525086-A-G.
Other names: c.184-13A>G (NM_001354741.2); c.160-13A>G (NM_001354742.2, NM_001354743.2, NM_001354744.2 and 4 more transcripts); c.10-13A>G (NM_001354747.2, NM_001354748.2); c.373-13A>G (NM_001166686.2, NM_001354737.1, NM_001354739.1 and 1 more transcripts); c.469-13A>G (NM_001354736.1, NM_001354735.1); c.304-13A>G (NM_001354740.1); c.73-13A>G (NM_001354745.2).
Identifiers: ClinVar variation 2178056 (VCV002178056.1), dbSNP rs772664063, ClinGen allele CA6536915.